The following is an entry in ClinVar:

ClinVar aggregate classification (germline): Likely pathogenic (1 of 4 stars; one submission).

Conditions:
Autosomal recessive limb-girdle muscular dystrophy type 2J (LGMDR10). Also called: Limb-girdle muscular dystrophy, type 2J; MUSCULAR DYSTROPHY, LIMB-GIRDLE, AUTOSOMAL RECESSIVE 10. Identifiers: Orphanet 140922, MedGen C1837342, MONDO:0012127, OMIM 608807.
Dilated cardiomyopathy 1G (CMD1G). Identifiers: Orphanet 154, MedGen C1858763, MONDO:0011400, OMIM 604145.

Submission:

Labcorp Genetics (formerly Invitae), Labcorp
Classification: Likely pathogenic for Dilated cardiomyopathy 1G; Autosomal recessive limb-girdle muscular dystrophy type 2J. Last evaluated: 2022-04-01. Review status: criteria provided, single submitter. Criteria: Invitae Variant Classification Sherloc (09022015). Collection method: clinical testing. Allele origin: germline.
Comment: In summary, the currently available evidence indicates that the variant is pathogenic, but additional data are needed to prove that conclusively. Therefore, this variant has been classified as Likely Pathogenic. This variant is located in the A band of TTN (PMID: 25589632). Truncating variants in this region are significantly overrepresented in patients affected with dilated cardiomyopathy (PMID: 25589632). Truncating variants in this region have also been reported in individuals affected with autosomal recessive centronuclear myopathy (PMID: 23975875). This variant has not been reported in the literature in individuals affected with TTN-related conditions. This variant is not present in population databases (gnomAD no frequency). This sequence change creates a premature translational stop signal (p.Gly26288Leufs*18) in the TTN gene. While this is not anticipated to result in nonsense mediated decay, it is expected to create a truncated TTN protein.

Literature cited by the submitters: PubMed 25589632; PubMed 23975875.

NM_001267550.2(TTN):c.78861_78864del (p.Gly26288fs)

Genes: TTN-AS1 (TTN antisense RNA 1; plus strand), TTN (titin; minus strand). Cytogenetic location: 2q31.2.
Variant type: Deletion.
Coding change: c.78861_78864del on transcript NM_001267550.2 (MANE Select); coding-DNA positions 78861 to 78864, 4 bases deleted (AGGA; older notation c.78861_78864delAGGA).
Protein change: p.Gly26288fs; shifts the reading frame from glycine 26288.
Molecular consequence: frameshift variant.
Genome position (GRCh38, 1-based): chr2:178,567,268-178,567,271, TCCT deleted on the plus strand (AGGA on the coding strand, the reverse complement: TTN is on the minus strand). VCF-style (leftmost placement, unchanged base first): chr2-178567267-GTCCT-G. GRCh37 (hg19) VCF-style: chr2-179431994-GTCCT-G.
Other names: c.73938_73941del, p.Gly24647fs (NM_001256850.1); c.51666_51669del, p.Gly17223fs (NM_003319.4); c.71157_71160del, p.Gly23720fs (NM_133378.4); c.52041_52044del, p.Gly17348fs (NM_133432.3); c.52242_52245del, p.Gly17415fs (NM_133437.4); short protein forms G17223fs, G23720fs, G24647fs, G26288fs, G17348fs, G17415fs.
Identifiers: ClinVar variation 2120396 (VCV002120396.4), dbSNP rs2468317227, ClinGen allele CA2580064736.